The following is an entry in ClinVar:

NM_001163435.3(TBCK):c.1474G>T (p.Ala492Ser)

Gene: TBCK (TBC1 domain containing kinase; minus strand). Cytogenetic location: 4q24.
Variant type: single nucleotide variant.
Coding change: c.1474G>T on transcript NM_001163435.3 (MANE Select); coding-DNA position 1474, G replaced by T.
Protein change: p.Ala492Ser; replaces alanine 492 with serine.
Molecular consequence: missense variant.
Genome position (GRCh38, 1-based): chr4:106,233,626, C>A on the plus strand (G>T on the coding strand, the complement: TBCK is on the minus strand). VCF-style: chr4-106233626-C-A. GRCh37 (hg19) VCF-style: chr4-107154783-C-A.
Other names: c.1474G>T, p.Ala492Ser (NM_001163436.4); c.1357G>T, p.Ala453Ser (NM_001163437.3); c.958G>T, p.Ala320Ser (NM_001290768.2); c.1285G>T, p.Ala429Ser (NM_033115.5); short protein forms A429S, A492S, A453S, A320S.
Identifiers: ClinVar variation 1941477 (VCV001941477.5), dbSNP rs780117189, ClinGen allele CA3035045.
Genomic context (GRCh38, chr4:106,233,626, plus strand): 5'-CTTAAGAAAACCTAAATCATACTTGTCTATCTGTAGGAATTGGAGTGTCTTTATCAATTG[C>A]ATCGTACTTGGCATGAATAGCTCCCTGCAAAAAATAAAAGAAGATATATTAATTTATCAT-3'
Protein context (NP_001156907.2, residues 482-502): VEGAIHAKYD[Ala492Ser]IDKDTPIPTD

ClinVar aggregate classification (germline): Uncertain significance (1 of 4 stars; one submission).

Allele frequency attached by ClinVar (database versions not stated): gnomAD exomes below 0.00001; ExAC 0.00001.
gnomAD v4.1: 2 of 1,610,890 alleles (0.00012%); highest among the groups gnomAD compares: Admixed American, 0.0017%; no homozygotes.

Submission:

Labcorp Genetics (formerly Invitae), Labcorp
Classification: Uncertain significance. Last evaluated: 2022-04-18. Review status: criteria provided, single submitter. Criteria: Invitae Variant Classification Sherloc (09022015). Collection method: clinical testing. Allele origin: germline.
Comment: In summary, the available evidence is currently insufficient to determine the role of this variant in disease. Therefore, it has been classified as a Variant of Uncertain Significance. Algorithms developed to predict the effect of missense changes on protein structure and function (SIFT, PolyPhen-2, Align-GVGD) all suggest that this variant is likely to be tolerated. This variant has not been reported in the literature in individuals affected with TBCK-related conditions. This variant is present in population databases (rs780117189, gnomAD 0.003%). This sequence change replaces alanine, which is neutral and non-polar, with serine, which is neutral and polar, at codon 492 of the TBCK protein (p.Ala492Ser).